The following is an entry in ClinVar:

NC_012920.1(MT-CO1):m.6855G>A

Gene: MT-CO1 (mitochondrially encoded cytochrome c oxidase I; plus strand).
Variant type: single nucleotide variant.
Genome position: chrM-6855-G-A.
Identifiers: ClinVar variation 692676 (VCV000692676.1), dbSNP rs1603220653, ClinGen allele CA414786800.

ClinVar aggregate classification (germline): Uncertain significance (1 of 4 stars; one submission).

Conditions:
Leigh syndrome (NULS). Also called: Leigh's necrotizing encephalopathy; Leigh's disease; Leigh Syndrome (mtDNA deletion); Leigh Disease; Subacute necrotizing encephalopathy; Necrotizing encephalopathy infantile subacute of Leigh. Identifiers: Orphanet 506, MedGen C2931891, MONDO:0009723, OMIM 256000.

Submission:

Wong Mito Lab, Molecular and Human Genetics, Baylor College of Medicine
Classification: Uncertain significance for Leigh syndrome. Last evaluated: 2019-10-17. Review status: criteria provided, single submitter. Criteria: Modified ACMG Guidelines (Unpublished). Collection method: clinical testing. Allele origin: germline.
Comment: The NC_012920.1:m.6855G>A (YP_003024028.1:p.Val318Ile) variant in MTCO1 gene is interpretated to be a Uncertain Significance variant based on the modified ACMG guidelines (unpublished). This variant meets the following evidence codes: PP6